The following is an entry in ClinVar:

ClinVar aggregate classification (germline): Pathogenic/Likely pathogenic. Review status: criteria provided, multiple submitters, no conflicts (2 of 4 stars). 2 submissions from 2 submitters: Pathogenic (1); Likely pathogenic (1). Last evaluated 2021-10-18.

Conditions:
IFT27-related disorders.

Submissions (2):

Blueprint Genetics
Classification: Likely pathogenic for IFT27-related disorders. Last evaluated: 2021-10-18. Review status: criteria provided, single submitter. Criteria: ACMG Guidelines, 2015. Collection method: clinical testing. Allele origin: germline. Affected: yes. Observed: 1 variant allele.

Labcorp Genetics (formerly Invitae), Labcorp
Classification: Pathogenic. Last evaluated: 2019-07-30. Review status: criteria provided, single submitter. Criteria: Invitae Variant Classification Sherloc (09022015). Collection method: clinical testing. Allele origin: germline.
Comment: This variant is not present in population databases (ExAC no frequency). This variant has not been reported in the literature in individuals with IFT27-related conditions. Loss-of-function variants in IFT27 are known to be pathogenic (PMID: 24488770, 25446516). For these reasons, this variant has been classified as Pathogenic. This sequence change creates a premature translational stop signal (p.Lys67Cysfs*22) in the IFT27 gene. It is expected to result in an absent or disrupted protein product.

Literature cited by the submitters: PubMed 24488770 (cited by Labcorp Genetics (formerly Invitae), Labcorp); PubMed 25446516 (cited by Labcorp Genetics (formerly Invitae), Labcorp).

NM_001177701.3(IFT27):c.202_208del (p.Lys68fs)

Genes: CACNG2-DT (CACNG2 divergent transcript; plus strand), IFT27 (intraflagellar transport 27; minus strand), LOC126863139 (CDK7 strongly-dependent group 2 enhancer GRCh37_chr22:37161913-37163112; plus strand). Cytogenetic location: 22q12.3.
Variant type: Deletion.
Coding change: c.202_208del on transcript NM_001177701.3 (MANE Select); coding-DNA positions 202 to 208, 7 bases deleted (AAGGAGC; older notation c.202_208delAAGGAGC).
Protein change: p.Lys68fs; shifts the reading frame from lysine 68.
Molecular consequence: frameshift variant.
Genome position (GRCh38, 1-based): chr22:36,766,164-36,766,170, GCTCCTT deleted on the plus strand (AAGGAGC on the coding strand, the reverse complement: IFT27 is on the minus strand); deleting any 7 consecutive bases within chr22:36,766,164-36,766,172 gives the same sequence; the c. name uses the placement nearest the transcript's 3' end. VCF-style (leftmost placement, unchanged base first): chr22-36766163-AGCTCCTT-A. GRCh37 (hg19) VCF-style: chr22-37162207-AGCTCCTT-A.
Other names: c.202_208del, p.Lys68fs (NM_001363003.2); c.199_205del, p.Lys67fs (NM_006860.5); short protein forms K67fs, K68fs.
Identifiers: ClinVar variation 957815 (VCV000957815.9), dbSNP rs1938243794, ClinGen allele CA1139667103.
Genomic context (GRCh38, chr22:36,766,163, plus strand): 5'-GGTGACAGTCAGGAAAAAGACCACGTGCTACTTGCCAATTTATCCAGCATTTCCGAAAAC[AGCTCCTT>A]GCCAGCAGAGTCAAAAATGAAGAGTTCCTACAATCAGAAAAGCAAGAAAAGTCTCCACGT-3'